The following is an entry in ClinVar:

NM_201525.4(ADGRG1):c.1462G>A (p.Gly488Ser)

Gene: ADGRG1 (adhesion G protein-coupled receptor G1; plus strand). Cytogenetic location: 16q21.
Variant type: single nucleotide variant.
Coding change: c.1462G>A on transcript NM_201525.4 (MANE Select); coding-DNA position 1462, G replaced by A.
Protein change: p.Gly488Ser; replaces glycine 488 with serine.
Molecular consequence: missense variant.
Genome position (GRCh38, 1-based): chr16:57,659,588, G>A. VCF-style: chr16-57659588-G-A. GRCh37 (hg19) VCF-style: chr16-57693500-G-A.
Other names: c.1462G>A, p.Gly488Ser (NM_001145770.3, NM_001145772.3, NM_001145774.3 and 7 more transcripts); c.1480G>A, p.Gly494Ser (NM_001145771.3, NM_001370428.1, NM_001370429.1 and 4 more transcripts); c.1477G>A, p.Gly493Ser (NM_001145773.3, NM_001370433.1, NM_001370434.1); c.970G>A, p.Gly324Ser (NM_001290142.2); c.955G>A, p.Gly319Ser (NM_001290143.2); c.937G>A, p.Gly313Ser (NM_001290144.2, NM_001370451.1, NM_001370453.1 and 1 more transcripts); c.1459G>A, p.Gly487Ser (NM_001370441.1); c.1306G>A, p.Gly436Ser (NM_001370442.1); short protein forms G319S, G487S, G324S, G313S, G436S, G488S, G493S, G494S.
Identifiers: ClinVar variation 885850 (VCV000885850.8), dbSNP rs200680234, ClinGen allele CA8078760.
Genomic context (GRCh38, chr16:57,659,588, plus strand): 5'-GGCTGCCGAGCCAGTGCCATCTTCCTGCACTTCTCCCTGCTCACCTGCCTTTCCTGGATG[G>A]GCCTCGAGGGGTACAACCTCTACCGACTCGTGGTGGAGGTCTTTGGCACCTATGTCCCTG-3'
Protein context (NP_958933.1, residues 478-498): FSLLTCLSWM[Gly488Ser]LEGYNLYRLV

ClinVar aggregate classification (germline): Uncertain significance. Review status: criteria provided, multiple submitters, no conflicts (2 of 4 stars). 3 submissions from 3 submitters: Uncertain significance (3). Last evaluated 2025-05-14.

Conditions:
Bilateral frontoparietal polymicrogyria. Also called: CEREBELLAR ATAXIA WITH NEURONAL MIGRATION DEFECT; CORTICAL DYSPLASIA, COMPLEX, WITH OTHER BRAIN MALFORMATIONS 14A (BILATERAL FRONTOPARIETAL). Identifiers: Orphanet 101070, MedGen C1847352, MONDO:0011738, OMIM 606854.
Inborn genetic diseases. Identifiers: MedGen C0950123, MeSH D030342.

Allele frequency attached by ClinVar (database versions not stated): ExAC 0.00002; gnomAD exomes 0.00004 and 0.00016; gnomAD 0.00006; TOPMed 0.00010; ESP Exome Variant Server 0.00015.

Submissions (3):

Ambry Genetics
Classification: Uncertain significance for Inborn genetic diseases. Last evaluated: 2025-05-14. Review status: criteria provided, single submitter. Criteria: Ambry Variant Classification Scheme 2023. Collection method: clinical testing. Allele origin: germline.

GeneDx
Classification: Uncertain significance. Last evaluated: 2025-01-28. Review status: criteria provided, single submitter. Criteria: GeneDx Variant Classification Process June 2021. Collection method: clinical testing. Allele origin: germline. Affected: yes.
Comment: Not observed at significant frequency in large population cohorts (gnomAD); In silico analysis supports that this missense variant has a deleterious effect on protein structure/function; Has not been previously published as pathogenic or benign to our knowledge

Illumina Laboratory Services, Illumina
Classification: Uncertain significance for Bilateral frontoparietal polymicrogyria. Last evaluated: 2018-01-13. Review status: criteria provided, single submitter. Criteria: ICSL Variant Classification Criteria 13 December 2019. Collection method: clinical testing. Allele origin: germline.